The following is an entry in ClinVar:

ClinVar aggregate classification (germline): Likely benign (0 of 4 stars; one submission).

Conditions:
SYCE1-related disorder. Also called: SYCE1-related condition.

Allele frequency attached by ClinVar (database versions not stated): ESP Exome Variant Server 0.00015; gnomAD 0.00015; ExAC 0.00025; gnomAD exomes 0.00027.
gnomAD v4.1: 394 of 1,562,448 alleles (0.025%); highest among the groups gnomAD compares: Admixed American, 0.044%; no homozygotes.

Submission:

PreventionGenetics, part of Exact Sciences
Classification: Likely benign for SYCE1-related condition. Last evaluated: 2019-04-11. Review status: no assertion criteria provided. Collection method: clinical testing. Allele origin: germline.
Comment: This variant is classified as likely benign based on ACMG/AMP sequence variant interpretation guidelines (Richards et al. 2015 PMID: 25741868, with internal and published modifications).

NM_001143764.3(SYCE1):c.528C>T (p.His176=)

Gene: SYCE1 (synaptonemal complex central element protein 1; minus strand). Cytogenetic location: 10q26.3.
Variant type: single nucleotide variant.
Coding change: c.528C>T on transcript NM_001143764.3 (MANE Select); coding-DNA position 528, C replaced by T.
Protein change: p.His176=; no amino-acid change (histidine 176 retained).
Molecular consequence: synonymous variant.
Genome position (GRCh38, 1-based): chr10:133,556,759, G>A on the plus strand (C>T on the coding strand, the complement: SYCE1 is on the minus strand). VCF-style: chr10-133556759-G-A. GRCh37 (hg19) VCF-style: chr10-135370263-G-A.
Other names: c.528C>T, p.His176= (NM_001143763.2); c.420C>T, p.His140= (NM_130784.4).
Identifiers: ClinVar variation 3058525 (VCV003058525.2), dbSNP rs150064711, ClinGen allele CA5768171.
Genomic context (GRCh38, chr10:133,556,759, plus strand): 5'-TTGGGCCTGGTGCTGCTAGGGAAGATGTGGAAGGGGGAGGAGTGGCTTTGAGGGACTCAC[G>A]TGGAAGTCCCAGAGGTCCTTGTGCTGGCCCATCAGATCTTCCAGCTGTTCCTCGAATGCC-3'
Protein context (NP_001137236.1, residues 166-186): MGQHKDLWDF[His176=]MPERLAKEIC